The following is an entry in ClinVar:

ClinVar aggregate classification (germline): Conflicting classifications of pathogenicity. Review status: criteria provided, conflicting classifications (1 of 4 stars). 3 submissions from 3 submitters: Likely pathogenic (1); Uncertain significance (2). Last evaluated 2024-03-10.

Conditions:
LRIT3-related disorders.

Allele frequency attached by ClinVar (database versions not stated): TOPMed below 0.00001; gnomAD exomes 0.00001 and 0.00002.
gnomAD v4.1: 14 of 1,551,728 alleles (0.0009%); highest among the groups gnomAD compares: Non-Finnish European, 0.0011%; no homozygotes.

Submissions (3):

Labcorp Genetics (formerly Invitae), Labcorp
Classification: Uncertain significance. Last evaluated: 2024-03-10. Review status: criteria provided, single submitter. Criteria: Invitae Variant Classification Sherloc (09022015). Collection method: clinical testing. Allele origin: germline.
Comment: This sequence change replaces asparagine, which is neutral and polar, with lysine, which is basic and polar, at codon 115 of the LRIT3 protein (p.Asn115Lys). This variant is present in population databases (no rsID available, gnomAD 0.002%). This missense change has been observed in individual(s) with clinical features of congenital stationary night blindness (PMID: 25307992). ClinVar contains an entry for this variant (Variation ID: 1015997). An algorithm developed to predict the effect of missense changes on protein structure and function (PolyPhen-2) suggests that this variant is likely to be disruptive. In summary, the available evidence is currently insufficient to determine the role of this variant in disease. Therefore, it has been classified as a Variant of Uncertain Significance.

GeneDx
Classification: Uncertain significance. Last evaluated: 2021-12-09. Review status: criteria provided, single submitter. Criteria: GeneDx Variant Classification Process June 2021. Collection method: clinical testing. Allele origin: germline. Affected: yes.
Comment: Reported previously in the homozygous state in an individual with complete congenital stationary night blindness, although additional clinical information was not provided (Zeitz et al., 2015); In silico analysis supports that this missense variant has a deleterious effect on protein structure/function; Not observed at significant frequency in large population cohorts (Lek et al., 2016); This variant is associated with the following publications: (PMID: 25307992)

Blueprint Genetics
Classification: Likely pathogenic for LRIT3-related disorders. Last evaluated: 2018-05-29. Review status: criteria provided, single submitter. Criteria: ACMG Guidelines, 2015. Collection method: clinical testing. Allele origin: germline. Affected: yes. Observed: 3 variant alleles.

Literature cited by the submitters: PubMed 25307992 (cited by Labcorp Genetics (formerly Invitae), Labcorp).

NM_198506.5(LRIT3):c.345T>A (p.Asn115Lys)

Gene: LRIT3 (leucine rich repeat, Ig-like and transmembrane domains 3; plus strand). Cytogenetic location: 4q25.
Variant type: single nucleotide variant.
Coding change: c.345T>A on transcript NM_198506.5 (MANE Select); coding-DNA position 345, T replaced by A.
Protein change: p.Asn115Lys; replaces asparagine 115 with lysine.
Molecular consequence: missense variant.
Genome position (GRCh38, 1-based): chr4:109,851,732, T>A. VCF-style: chr4-109851732-T-A. GRCh37 (hg19) VCF-style: chr4-110772888-T-A.
Other names: short protein forms N115K.
Identifiers: ClinVar variation 1015997 (VCV001015997.6), dbSNP rs1229427219, ClinGen allele CA357871685.